The following is an entry in ClinVar:

ClinVar aggregate classification (germline): Benign (1 of 4 stars; one submission).

Allele frequency attached by ClinVar (database versions not stated): gnomAD 0.56545; TOPMed 0.58117; 1000 Genomes Project 0.66054; 1000 Genomes Project 30x 0.66240.
gnomAD v4.1: 669,663 of 1,428,608 alleles (47%); highest among the groups gnomAD compares: East Asian, 85%; 166,328 homozygotes.

Submission:

GeneDx
Classification: Benign. Last evaluated: 2018-06-14. Review status: criteria provided, single submitter. Criteria: GeneDx Variant Classification (06012015). Collection method: clinical testing. Allele origin: germline. Affected: yes.
Comment: This variant is considered likely benign or benign based on one or more of the following criteria: it is a conservative change, it occurs at a poorly conserved position in the protein, it is predicted to be benign by multiple in silico algorithms, and/or has population frequency not consistent with disease.

NM_017617.5(NOTCH1):c.3172-122T>C

Gene: NOTCH1 (notch receptor 1; minus strand). Cytogenetic location: 9q34.3.
Variant type: single nucleotide variant.
Coding change: c.3172-122T>C on transcript NM_017617.5 (MANE Select); 122 bases into the intron before coding-DNA position 3172, T replaced by C.
Molecular consequence: intron variant.
Genome position (GRCh38, 1-based): chr9:136,508,507, A>G on the plus strand (T>C on the coding strand, the complement: NOTCH1 is on the minus strand). VCF-style: chr9-136508507-A-G. GRCh37 (hg19) VCF-style: chr9-139402959-A-G.
Identifiers: ClinVar variation 678016 (VCV000678016.1), dbSNP rs3812604, ClinGen allele CA13004108.